The following is an entry in ClinVar:

NM_015631.6(TCTN3):c.463A>G (p.Asn155Asp)

Gene: TCTN3 (tectonic family member 3; minus strand). Cytogenetic location: 10q24.1.
Variant type: single nucleotide variant.
Coding change: c.463A>G on transcript NM_015631.6 (MANE Select); coding-DNA position 463, A replaced by G.
Protein change: p.Asn155Asp; replaces asparagine 155 with aspartic acid.
Molecular consequence: missense variant.
Genome position (GRCh38, 1-based): chr10:95,692,956, T>C on the plus strand (A>G on the coding strand, the complement: TCTN3 is on the minus strand). VCF-style: chr10-95692956-T-C. GRCh37 (hg19) VCF-style: chr10-97452713-T-C.
Other names: c.463A>G, p.Asn155Asp (NM_001143973.2, NM_001410982.1); short protein forms N155D.
Identifiers: ClinVar variation 4980498 (VCV004980498.1).

ClinVar aggregate classification (germline): Uncertain significance (1 of 4 stars; one submission).

Conditions:
TCTN3-related disorder. Also called: TCTN3-related condition.

gnomAD v4.1: 7 of 1,613,990 alleles (0.00043%); highest among the groups gnomAD compares: African/African-American, 0.004%; no homozygotes.

Submission:

PreventionGenetics, part of Exact Sciences
Classification: Uncertain significance for TCTN3-related condition. Last evaluated: 2026-04-24. Review status: criteria provided, single submitter. Criteria: ACMG Guidelines, 2015. Collection method: clinical testing. Allele origin: germline.
Comment: The TCTN3 c.463A>G variant is predicted to result in the amino acid substitution p.Asn155Asp. To our knowledge, this variant has not been reported in the literature. This variant is reported in 0.0040% of alleles in individuals of African descent in gnomAD. At this time, the clinical significance of this variant is uncertain due to the absence of conclusive functional and genetic evidence.